The following is an entry in ClinVar:

NM_001004334.4(GPR179):c.5881G>A (p.Glu1961Lys)

Gene: GPR179 (G protein-coupled receptor 179; minus strand). Cytogenetic location: 17q12.
Variant type: single nucleotide variant.
Coding change: c.5881G>A on transcript NM_001004334.4 (MANE Select); coding-DNA position 5881, G replaced by A.
Protein change: p.Glu1961Lys; replaces glutamic acid 1961 with lysine.
Molecular consequence: missense variant.
Genome position (GRCh38, 1-based): chr17:38,327,688, C>T on the plus strand (G>A on the coding strand, the complement: GPR179 is on the minus strand). VCF-style: chr17-38327688-C-T. GRCh37 (hg19) VCF-style: chr17-36483571-C-T.
Other names: short protein forms E1961K.
Identifiers: ClinVar variation 3616633 (VCV003616633.2).

ClinVar aggregate classification (germline): Uncertain significance (1 of 4 stars; one submission).

Submission:

Labcorp Genetics (formerly Invitae), Labcorp
Classification: Uncertain significance. Last evaluated: 2024-04-25. Review status: criteria provided, single submitter. Criteria: Invitae Variant Classification Sherloc (09022015). Collection method: clinical testing. Allele origin: germline.
Comment: This sequence change replaces glutamic acid, which is acidic and polar, with lysine, which is basic and polar, at codon 1961 of the GPR179 protein (p.Glu1961Lys). This variant is present in population databases (rs749287145, gnomAD 0.01%), including at least one homozygous and/or hemizygous individual. This variant has not been reported in the literature in individuals affected with GPR179-related conditions. Algorithms developed to predict the effect of missense changes on protein structure and function output the following: SIFT: "Not Available"; PolyPhen-2: "Benign"; Align-GVGD: "Not Available". The lysine amino acid residue is found in multiple mammalian species, which suggests that this missense change does not adversely affect protein function. In summary, the available evidence is currently insufficient to determine the role of this variant in disease. Therefore, it has been classified as a Variant of Uncertain Significance.